The following is an entry in ClinVar:

ClinVar aggregate classification (germline): Uncertain significance. Review status: criteria provided, multiple submitters, no conflicts (2 of 4 stars). 2 submissions from 2 submitters: Uncertain significance (2). Last evaluated 2025-05-11.

Conditions:
Retinal dystrophy. Also called: Inherited retinal dystrophy. Identifiers: Orphanet 71862, MedGen C0854723, MeSH D058499, MONDO:0019118, HP:0000556.

Allele frequency attached by ClinVar (database versions not stated): gnomAD exomes 0.00001 and 0.00003; ExAC 0.00003.
gnomAD v4.1: 14 of 1,611,530 alleles (0.00087%); highest among the groups gnomAD compares: East Asian, 0.025%; no homozygotes.

Submissions (2):

Labcorp Genetics (formerly Invitae), Labcorp
Classification: Uncertain significance. Last evaluated: 2025-05-11. Review status: criteria provided, single submitter. Criteria: Invitae Variant Classification Sherloc (09022015). Collection method: clinical testing. Allele origin: germline.
Comment: This sequence change replaces phenylalanine, which is neutral and non-polar, with serine, which is neutral and polar, at codon 379 of the SAG protein (p.Phe379Ser). This variant is present in population databases (rs768167500, gnomAD 0.04%). This variant has not been reported in the literature in individuals affected with SAG-related conditions. ClinVar contains an entry for this variant (Variation ID: 841505). An algorithm developed to predict the effect of missense changes on protein structure and function (PolyPhen-2) suggests that this variant is likely to be disruptive. In summary, the available evidence is currently insufficient to determine the role of this variant in disease. Therefore, it has been classified as a Variant of Uncertain Significance.

Dept Of Ophthalmology, Nagoya University
Classification: Uncertain significance for Retinal dystrophy. Last evaluated: 2023-10-01. Review status: criteria provided, single submitter. Criteria: Submitter's publication. Collection method: research. Allele origin: germline. Affected: yes.

NM_000541.5(SAG):c.1136T>C (p.Phe379Ser)

Gene: SAG (S-antigen visual arrestin; plus strand). Cytogenetic location: 2q37.1.
Variant type: single nucleotide variant.
Coding change: c.1136T>C on transcript NM_000541.5 (MANE Select); coding-DNA position 1136, T replaced by C.
Protein change: p.Phe379Ser; replaces phenylalanine 379 with serine.
Molecular consequence: missense variant.
Genome position (GRCh38, 1-based): chr2:233,346,830, T>C. VCF-style: chr2-233346830-T-C. GRCh37 (hg19) VCF-style: chr2-234255476-T-C.
Other names: short protein forms F379S.
Identifiers: ClinVar variation 841505 (VCV000841505.10), dbSNP rs768167500, ClinGen allele CA2174713.